The following is an entry in ClinVar:

NM_014159.7(SETD2):c.6020A>G (p.Asp2007Gly)

Gene: SETD2 (SET domain containing 2, histone lysine methyltransferase; minus strand). Cytogenetic location: 3p21.31.
Variant type: single nucleotide variant.
Coding change: c.6020A>G on transcript NM_014159.7 (MANE Select); coding-DNA position 6020, A replaced by G.
Protein change: p.Asp2007Gly; replaces aspartic acid 2007 with glycine.
Molecular consequence: missense variant. On other transcripts: non-coding transcript variant (1).
Genome position (GRCh38, 1-based): chr3:47,083,760, T>C on the plus strand (A>G on the coding strand, the complement: SETD2 is on the minus strand). VCF-style: chr3-47083760-T-C. GRCh37 (hg19) VCF-style: chr3-47125250-T-C.
Other names: c.5888A>G, p.Asp1963Gly (NM_001349370.3); short protein forms D1963G, D2007G.
Identifiers: ClinVar variation 1698653 (VCV001698653.1), dbSNP rs2107637525, ClinGen allele CA352530388.

ClinVar aggregate classification (germline): Uncertain significance (1 of 4 stars; one submission).

Allele frequency attached by ClinVar (database versions not stated): gnomAD exomes below 0.00001.
gnomAD v4.1: 1 of 1,613,350 alleles (0.000062%); highest among the groups gnomAD compares: Non-Finnish European, 0.000085%; no homozygotes.

Submission:

Women's Health and Genetics/Laboratory Corporation of America, LabCorp
Classification: Uncertain significance. Last evaluated: 2022-06-02. Review status: criteria provided, single submitter. Criteria: LabCorp Variant Classification Summary - May 2015. Collection method: clinical testing. Allele origin: germline.
Comment: Variant summary: SETD2 c.6020A>G (p.Asp2007Gly) results in a non-conservative amino acid change in the encoded protein sequence. Four of five in-silico tools predict a damaging effect of the variant on protein function. The variant was absent in 251238 control chromosomes. The available data on variant occurrences in the general population are insufficient to allow any conclusion about variant significance. To our knowledge, no occurrence of c.6020A>G in individuals affected with Luscan-Lumish Syndrome and no experimental evidence demonstrating its impact on protein function have been reported. No clinical diagnostic laboratories have submitted clinical-significance assessments for this variant to ClinVar after 2014. Based on the evidence outlined above, the variant was classified as uncertain significance.